The following is an entry in ClinVar:

NM_015330.6(SPECC1L):c.3329C>G (p.Ala1110Gly)

Genes: SPECC1L (sperm antigen with calponin homology and coiled-coil domains 1 like; plus strand), SPECC1L-ADORA2A (SPECC1L-ADORA2A readthrough (NMD candidate); plus strand). Cytogenetic location: 22q11.23.
Variant type: single nucleotide variant.
Coding change: c.3329C>G on transcript NM_015330.6 (MANE Select); coding-DNA position 3329, C replaced by G.
Protein change: p.Ala1110Gly; replaces alanine 1110 with glycine.
Molecular consequence: missense variant. On other transcripts: non-coding transcript variant (1).
Genome position (GRCh38, 1-based): chr22:24,414,598, C>G. VCF-style: chr22-24414598-C-G. GRCh37 (hg19) VCF-style: chr22-24810566-C-G.
Other names: c.3329C>G, p.Ala1110Gly (NM_001145468.4); c.3212C>G, p.Ala1071Gly (NM_001254732.3); c.527C>G, p.Ala176Gly (NM_001254733.2); short protein forms A1071G, A1110G, A176G.
Identifiers: ClinVar variation 4728521 (VCV004728521.1).

ClinVar aggregate classification (germline): Uncertain significance (1 of 4 stars; one submission).

Submission:

Labcorp Genetics (formerly Invitae), Labcorp
Classification: Uncertain significance. Last evaluated: 2025-10-05. Review status: criteria provided, single submitter. Criteria: Invitae Variant Classification Sherloc (09022015). Collection method: clinical testing. Allele origin: germline.
Comment: This sequence change replaces alanine, which is neutral and non-polar, with glycine, which is neutral and non-polar, at codon 1110 of the SPECC1L protein (p.Ala1110Gly). This variant is not present in population databases (gnomAD no frequency). This variant has not been reported in the literature in individuals affected with SPECC1L-related conditions. An algorithm developed to predict the effect of missense changes on protein structure and function (PolyPhen-2) suggests that this variant is likely to be disruptive. In summary, the available evidence is currently insufficient to determine the role of this variant in disease. Therefore, it has been classified as a Variant of Uncertain Significance.